The following is an entry in ClinVar:

ClinVar aggregate classification (germline): Conflicting classifications of pathogenicity. Review status: criteria provided, conflicting classifications (1 of 4 stars). 4 submissions from 4 submitters: Uncertain significance (1); Likely benign (3). Last evaluated 2025-12-25.

Conditions:
RYR1-related disorder. Also called: RYR1-related condition; RYR1-related disorders. Identifiers: MedGen CN239331.
Malignant hyperthermia, susceptibility to, 1 (MHS1). Also called: RYR1-Related Malignant Hyperthermia Susceptibility; Anesthesia related hyperthermia; Malignant hyperpyrexia; Fulminating hyperpyrexia; Pharmacogenic myopathy; Malignant hyperthermia suceptibility 1. Identifiers: Orphanet 423, MedGen C2930980, MONDO:0007783, OMIM 145600.

Allele frequency attached by ClinVar (database versions not stated): TOPMed below 0.00001; gnomAD 0.00001; gnomAD exomes 0.00001 and 0.00006; ExAC 0.00005.
gnomAD v4.1: 23 of 1,612,790 alleles (0.0014%); highest among the groups gnomAD compares: South Asian, 0.021%; no homozygotes.

Submissions (4):

Labcorp Genetics (formerly Invitae), Labcorp
Classification: Likely benign for RYR1-related disorder. Last evaluated: 2025-12-25. Review status: criteria provided, single submitter. Criteria: Invitae Variant Classification Sherloc (09022015). Collection method: clinical testing. Allele origin: germline.

All of Us Research Program, National Institutes of Health
Classification: Likely benign for Malignant hyperthermia, susceptibility to, 1. Last evaluated: 2024-07-29. Review status: criteria provided, single submitter. Criteria: ACMG Guidelines, 2015. Collection method: clinical testing. Allele origin: germline. Inheritance: Autosomal dominant inheritance. Observed: 2 variant alleles, 2 heterozygotes.
Comment: This study involves interpretation of variants in research participants for the purpose of population health screening. Participant phenotype was not available at the time of variant classification. Additional details can be found in publication PMID: 35346344, PMCID: PMC8962531

Blueprint Genetics
Classification: Likely benign. Last evaluated: 2020-11-06. Review status: criteria provided, single submitter. Criteria: ACMG Guidelines, 2015. Collection method: clinical testing. Allele origin: germline.

Eurofins Ntd Llc (ga)
Classification: Uncertain significance. Last evaluated: 2015-03-06. Review status: criteria provided, single submitter. Criteria: EGL Classification Definitions 2015. Collection method: clinical testing. Allele origin: germline. Observed: 1 variant allele, 1 heterozygote.

NM_000540.3(RYR1):c.624C>T (p.Cys208=)

Gene: RYR1 (ryanodine receptor 1; plus strand). Cytogenetic location: 19q13.2.
Variant type: single nucleotide variant.
Coding change: c.624C>T on transcript NM_000540.3 (MANE Select); coding-DNA position 624, C replaced by T.
Protein change: p.Cys208=; no amino-acid change (cysteine 208 retained).
Molecular consequence: synonymous variant.
Genome position (GRCh38, 1-based): chr19:38,444,670, C>T. VCF-style: chr19-38444670-C-T. GRCh37 (hg19) VCF-style: chr19-38935310-C-T.
Other names: c.624C>T, p.Cys208= (NM_001042723.2).
Identifiers: ClinVar variation 198430 (VCV000198430.16), dbSNP rs746914281, ClinGen allele CA024558.